The following is an entry in ClinVar:

ClinVar aggregate classification (germline): Uncertain significance (1 of 4 stars; one submission).

Conditions:
Galactosylceramide beta-galactosidase deficiency. Also called: Leukodystrophy, Globoid Cell; Krabbe Disease; GALACTOCEREBROSIDASE DEFICIENCY; GALC DEFICIENCY; GLOBOID CELL LEUKOENCEPHALOPATHY. Identifiers: Orphanet 487, MedGen C0023521, MONDO:0009499, OMIM 245200.

Allele frequency attached by ClinVar (database versions not stated): gnomAD 0.00001; gnomAD exomes 0.00001; TOPMed 0.00001.
gnomAD v4.1: 8 of 1,606,898 alleles (0.0005%); highest among the groups gnomAD compares: East Asian, 0.0022%; no homozygotes.

Submission:

Labcorp Genetics (formerly Invitae), Labcorp
Classification: Uncertain significance for Galactosylceramide beta-galactosidase deficiency. Last evaluated: 2023-12-09. Review status: criteria provided, single submitter. Criteria: Invitae Variant Classification Sherloc (09022015). Collection method: clinical testing. Allele origin: germline.
Comment: This sequence change replaces isoleucine, which is neutral and non-polar, with valine, which is neutral and non-polar, at codon 587 of the GALC protein (p.Ile587Val). This variant is present in population databases (no rsID available, gnomAD 0.06%). This variant has not been reported in the literature in individuals affected with GALC-related conditions. Advanced modeling of protein sequence and biophysical properties (such as structural, functional, and spatial information, amino acid conservation, physicochemical variation, residue mobility, and thermodynamic stability) performed at Invitae indicates that this missense variant is not expected to disrupt GALC protein function with a negative predictive value of 95%. In summary, the available evidence is currently insufficient to determine the role of this variant in disease. Therefore, it has been classified as a Variant of Uncertain Significance.

NM_000153.4(GALC):c.1759A>G (p.Ile587Val)

Gene: GALC (galactosylceramidase; minus strand). Cytogenetic location: 14q31.3.
Variant type: single nucleotide variant.
Coding change: c.1759A>G on transcript NM_000153.4 (MANE Select); coding-DNA position 1759, A replaced by G.
Protein change: p.Ile587Val; replaces isoleucine 587 with valine.
Molecular consequence: missense variant. On other transcripts: non-coding transcript variant (1).
Genome position (GRCh38, 1-based): chr14:87,941,470, T>C on the plus strand (A>G on the coding strand, the complement: GALC is on the minus strand). VCF-style: chr14-87941470-T-C. GRCh37 (hg19) VCF-style: chr14-88407814-T-C.
Other names: c.1690A>G, p.Ile564Val (NM_001201401.2); c.1681A>G, p.Ile561Val (NM_001201402.2); c.1591A>G, p.Ile531Val (NM_001424071.1, NM_001424072.1, NM_001424073.1); c.1411A>G, p.Ile471Val (NM_001424074.1, NM_001424075.1); c.1126A>G, p.Ile376Val (NM_001424076.1, NM_001424077.1); short protein forms I376V, I564V, I587V, I471V, I561V, I531V.
Identifiers: ClinVar variation 2891897 (VCV002891897.3), dbSNP rs1489705843, ClinGen allele CA390745742.
Genomic context (GRCh38, chr14:87,941,470, plus strand): 5'-CCCTGTAAGATCCATTTGCAAAAATCCAGAAGAAAATTCCTCTGGCACTTCTAATCAAAA[T>C]ACCACCTTTATTTACTCTTCCTGCAATGAACACACCTCCTGTGTCAGGGGTCTCTATGTA-3'
Protein context (NP_000144.2, residues 577-597): FIAGRVNKGG[Ile587Val]LIRSARGIFF